The following is an entry in ClinVar:

ClinVar aggregate classification (germline): Conflicting classifications of pathogenicity. Review status: criteria provided, conflicting classifications (1 of 4 stars). 3 submissions from 3 submitters: Uncertain significance (2); Likely benign (1). Last evaluated 2026-05-14.

Conditions:
TTN-related disorder. Also called: TTN-related condition; TTN-related disease; TTN-related disorders.

Allele frequency attached by ClinVar (database versions not stated): ExAC 0.00001; gnomAD exomes 0.00001; gnomAD 0.00002; TOPMed 0.00003; ESP Exome Variant Server 0.00008.
gnomAD v4.1: 7 of 1,613,704 alleles (0.00043%); highest among the groups gnomAD compares: African/African-American, 0.0093%; no homozygotes.

Submissions (3):

PreventionGenetics, part of Exact Sciences
Classification: Uncertain significance for TTN-related condition. Last evaluated: 2026-05-14. Review status: criteria provided, single submitter. Criteria: ACMG Guidelines, 2015. Collection method: clinical testing. Allele origin: germline.
Comment: The TTN c.16738A>G variant is predicted to result in the amino acid substitution p.Asn5580Asp. To our knowledge, this variant has not been reported in the literature. This variant is reported in 0.025% of alleles in individuals of African descent in gnomAD. At this time, the clinical significance of this variant is uncertain due to the absence of conclusive functional and genetic evidence.

GeneDx
Classification: Likely benign. Last evaluated: 2021-03-15. Review status: criteria provided, single submitter. Criteria: GeneDx Variant Classification Process June 2021. Collection method: clinical testing. Allele origin: germline. Affected: yes.

Eurofins Ntd Llc (ga)
Classification: Uncertain significance. Last evaluated: 2015-11-23. Review status: criteria provided, single submitter. Criteria: EGL Classification Definitions 2015. Collection method: clinical testing. Allele origin: germline. Observed: 1 variant allele, 1 heterozygote.

NM_001267550.2(TTN):c.16738A>G (p.Asn5580Asp)

Gene: TTN (titin; minus strand). Cytogenetic location: 2q31.2.
Variant type: single nucleotide variant.
Coding change: c.16738A>G on transcript NM_001267550.2 (MANE Select); coding-DNA position 16738, A replaced by G.
Protein change: p.Asn5580Asp; replaces asparagine 5580 with aspartic acid.
Molecular consequence: missense variant. On other transcripts: intron variant (3).
Genome position (GRCh38, 1-based): chr2:178,732,231, T>C on the plus strand (A>G on the coding strand, the complement: TTN is on the minus strand). VCF-style: chr2-178732231-T-C. GRCh37 (hg19) VCF-style: chr2-179596958-T-C.
Other names: c.15787A>G, p.Asn5263Asp (NM_001256850.1); c.13006A>G, p.Asn4336Asp (NM_133378.4); c.13282+5851A>G (NM_003319.4); c.13858+5851A>G (NM_133437.4); c.13657+5851A>G (NM_133432.3); short protein forms N4336D, N5263D, N5580D.
Identifiers: ClinVar variation 284295 (VCV000284295.10), dbSNP rs376598696, ClinGen allele CA2001983.